The following is an entry in ClinVar:

ClinVar aggregate classification (germline): Uncertain significance (1 of 4 stars; one submission).

Allele frequency attached by ClinVar (database versions not stated): ExAC 0.00002; gnomAD 0.00002; TOPMed 0.00002.
gnomAD v4.1: 88 of 1,614,116 alleles (0.0055%); highest among the groups gnomAD compares: Non-Finnish European, 0.0072%; no homozygotes.

Submission:

Labcorp Genetics (formerly Invitae), Labcorp
Classification: Uncertain significance. Last evaluated: 2022-09-01. Review status: criteria provided, single submitter. Criteria: Invitae Variant Classification Sherloc (09022015). Collection method: clinical testing. Allele origin: germline.
Comment: In summary, the available evidence is currently insufficient to determine the role of this variant in disease. Therefore, it has been classified as a Variant of Uncertain Significance. Algorithms developed to predict the effect of missense changes on protein structure and function output the following: SIFT: "Tolerated"; PolyPhen-2: "Benign"; Align-GVGD: "Class C0". The arginine amino acid residue is found in multiple mammalian species, which suggests that this missense change does not adversely affect protein function. This variant has not been reported in the literature in individuals affected with SCNN1B-related conditions. This variant is present in population databases (rs778102756, gnomAD 0.005%). This sequence change replaces glutamine, which is neutral and polar, with arginine, which is basic and polar, at codon 244 of the SCNN1B protein (p.Gln244Arg).

NM_000336.3(SCNN1B):c.731A>G (p.Gln244Arg)

Gene: SCNN1B (sodium channel epithelial 1 subunit beta; plus strand). Cytogenetic location: 16p12.2.
Variant type: single nucleotide variant.
Coding change: c.731A>G on transcript NM_000336.3 (MANE Select); coding-DNA position 731, A replaced by G.
Protein change: p.Gln244Arg; replaces glutamine 244 with arginine.
Molecular consequence: missense variant.
Genome position (GRCh38, 1-based): chr16:23,355,444, A>G. VCF-style: chr16-23355444-A-G. GRCh37 (hg19) VCF-style: chr16-23366765-A-G.
Other names: c.731A>G, p.Gln244Arg (NM_001410900.1); short protein forms Q244R.
Identifiers: ClinVar variation 1905538 (VCV001905538.5), dbSNP rs778102756, ClinGen allele CA7960222.